The following is an entry in ClinVar:

NM_152743.4(BRAT1):c.1732C>G (p.His578Asp)

Gene: BRAT1 (BRCA1 associated ATM activator 1; minus strand). Cytogenetic location: 7p22.3.
Variant type: single nucleotide variant.
Coding change: c.1732C>G on transcript NM_152743.4 (MANE Select); coding-DNA position 1732, C replaced by G.
Protein change: p.His578Asp; replaces histidine 578 with aspartic acid.
Molecular consequence: missense variant. On other transcripts: non-coding transcript variant (1).
Genome position (GRCh38, 1-based): chr7:2,539,217, G>C on the plus strand (C>G on the coding strand, the complement: BRAT1 is on the minus strand). VCF-style: chr7-2539217-G-C. GRCh37 (hg19) VCF-style: chr7-2578851-G-C.
Other names: c.1732C>G, p.His578Asp (NM_001350626.2); c.1207C>G, p.His403Asp (NM_001350627.2); short protein forms H403D, H578D.
Identifiers: ClinVar variation 1433232 (VCV001433232.8), dbSNP rs747577493, ClinGen allele CA366626400.

ClinVar aggregate classification (germline): Uncertain significance (1 of 4 stars; one submission).

Conditions:
Neonatal-onset encephalopathy with rigidity and seizures. Also called: Lethal neonatal spasticity-epileptic encephalopathy syndrome. Identifiers: Orphanet 435845, MedGen C3281029, MONDO:0013784, OMIM 614498.

Submission:

Labcorp Genetics (formerly Invitae), Labcorp
Classification: Uncertain significance for Neonatal-onset encephalopathy with rigidity and seizures. Last evaluated: 2021-01-04. Review status: criteria provided, single submitter. Criteria: Invitae Variant Classification Sherloc (09022015). Collection method: clinical testing. Allele origin: germline.
Comment: This sequence change replaces histidine with aspartic acid at codon 578 of the BRAT1 protein (p.His578Asp). The histidine residue is moderately conserved and there is a moderate physicochemical difference between histidine and aspartic acid. In summary, the available evidence is currently insufficient to determine the role of this variant in disease. Therefore, it has been classified as a Variant of Uncertain Significance. Algorithms developed to predict the effect of missense changes on protein structure and function (SIFT, PolyPhen-2, Align-GVGD) all suggest that this variant is likely to be tolerated, but these predictions have not been confirmed by published functional studies and their clinical significance is uncertain. This variant has not been reported in the literature in individuals with BRAT1-related conditions. This variant is not present in population databases (ExAC no frequency).